The following is an entry in ClinVar:

NM_000719.7(CACNA1C):c.95C>A (p.Ala32Asp)

Gene: CACNA1C (calcium voltage-gated channel subunit alpha1 C; plus strand). Cytogenetic location: 12p13.33.
Variant type: single nucleotide variant.
Coding change: c.95C>A on transcript NM_000719.7 (MANE Select); coding-DNA position 95, C replaced by A.
Protein change: p.Ala32Asp; replaces alanine 32 with aspartic acid.
Molecular consequence: missense variant.
Genome position (GRCh38, 1-based): chr12:2,115,269, C>A. VCF-style: chr12-2115269-C-A. GRCh37 (hg19) VCF-style: chr12-2224435-C-A.
Other names: c.95C>A, p.Ala32Asp (NM_001129827.2, NM_001129829.2, NM_001129830.3 and 19 more transcripts); short protein forms A32D.
Identifiers: ClinVar variation 3826603 (VCV003826603.1).

ClinVar aggregate classification (germline): Uncertain significance (1 of 4 stars; one submission).

Conditions:
Cardiovascular phenotype. Identifiers: MedGen CN230736.

gnomAD v4.1: 1 of 1,591,926 alleles (0.000063%); no homozygotes.

Submission:

Ambry Genetics
Classification: Uncertain significance for Cardiovascular phenotype. Last evaluated: 2025-02-24. Review status: criteria provided, single submitter. Criteria: Ambry Variant Classification Scheme 2023. Collection method: clinical testing. Allele origin: germline.
Comment: The p.A32D variant (also known as c.95C>A), located in coding exon 2 of the CACNA1C gene, results from a C to A substitution at nucleotide position 95. The alanine at codon 32 is replaced by aspartic acid, an amino acid with dissimilar properties. This amino acid position is well conserved in available vertebrate species. In addition, the in silico prediction for this alteration is inconclusive. Based on the available evidence, the clinical significance of this variant remains unclear.